The following is an entry in ClinVar:

ClinVar aggregate classification (germline): Pathogenic. Review status: criteria provided, single submitter (1 of 4 stars). 2 submissions from 2 submitters: Pathogenic (1). 1 of the submissions does not count toward it. Last evaluated 2024-05-31.

Conditions:
Hermansky-Pudlak syndrome 2 (HPS2). Also called: Platelet defects and oculocutaneous albinism. Identifiers: Orphanet 183678, Orphanet 79430, MedGen C1842362, MONDO:0011997, OMIM 608233.

Submissions (2):

Labcorp Genetics (formerly Invitae), Labcorp
Classification: Pathogenic for Hermansky-Pudlak syndrome 2. Last evaluated: 2024-05-31. Review status: criteria provided, single submitter. Criteria: Invitae Variant Classification Sherloc (09022015). Collection method: clinical testing. Allele origin: germline.
Comment: This sequence change creates a premature translational stop signal (p.Asp613Glufs*38) in the AP3B1 gene. It is expected to result in an absent or disrupted protein product. Loss-of-function variants in AP3B1 are known to be pathogenic (PMID: 16507770, 23403622). This variant is present in population databases (no rsID available, gnomAD 0.0009%). This premature translational stop signal has been observed in individual(s) with Hermansky-Pudlak syndrome (PMID: 28585318, 29580292). In at least one individual the data is consistent with being in trans (on the opposite chromosome) from a pathogenic variant. ClinVar contains an entry for this variant (Variation ID: 224764). For these reasons, this variant has been classified as Pathogenic.

Blood Cell Research, Sanquin
Classification: Pathogenic for Hermansky Pudlak Syndrome type 2. Last evaluated: 2016-01-01. Review status: no assertion criteria provided. Collection method: research. Allele origin: germline. Affected: yes. Observed: 1 variant allele. Not counted in ClinVar's aggregate classification.

Literature cited by the submitters: PubMed 16507770 (cited by Labcorp Genetics (formerly Invitae), Labcorp); PubMed 23403622 (cited by Labcorp Genetics (formerly Invitae), Labcorp); PubMed 28585318 (cited by Labcorp Genetics (formerly Invitae), Labcorp); PubMed 29580292 (cited by Labcorp Genetics (formerly Invitae), Labcorp).

NM_003664.4(AP3B1):c.1839_1842delTAGA

Gene: AP3B1 (adaptor related protein complex 3 subunit beta 1; minus strand). Cytogenetic location: 5q14.1.
Variant type: Microsatellite.
Coding change: c.1839_1842delTAGA on transcript NM_003664.4; coding-DNA positions 1839 to 1842, 4 bases deleted (TAGA).
Genome position (GRCh38, 1-based): chr5:78,128,156-78,128,159, TCTA deleted on the plus strand (TAGA on the coding strand, the reverse complement: AP3B1 is on the minus strand); deleting any 4 consecutive bases within chr5:78,128,156-78,128,164 gives the same sequence; the c. name uses the placement nearest the transcript's 3' end. VCF-style (leftmost placement, unchanged base first): chr5-78128155-CTCTA-C. GRCh37 (hg19) VCF-style: chr5-77423979-CTCTA-C.
Identifiers: ClinVar variation 224764 (VCV000224764.7), ClinGen allele CA354058.